The following is an entry in ClinVar:

ClinVar aggregate classification (germline): Uncertain significance (1 of 4 stars; one submission).

Submission:

Labcorp Genetics (formerly Invitae), Labcorp
Classification: Uncertain significance. Last evaluated: 2025-10-10. Review status: criteria provided, single submitter. Criteria: Invitae Variant Classification Sherloc (09022015). Collection method: clinical testing. Allele origin: germline.
Comment: This sequence change replaces histidine, which is basic and polar, with arginine, which is basic and polar, at codon 558 of the ZMIZ1 protein (p.His558Arg). This variant is not present in population databases (gnomAD no frequency). This variant has not been reported in the literature in individuals affected with ZMIZ1-related conditions. Invitae Evidence Modeling of protein sequence and biophysical properties (such as structural, functional, and spatial information, amino acid conservation, physicochemical variation, residue mobility, and thermodynamic stability) indicates that this missense variant is not expected to disrupt ZMIZ1 protein function with a negative predictive value of 95%. In summary, the available evidence is currently insufficient to determine the role of this variant in disease. Therefore, it has been classified as a Variant of Uncertain Significance.

NM_020338.4(ZMIZ1):c.1673A>G (p.His558Arg)

Gene: ZMIZ1 (zinc finger MIZ-type containing 1; plus strand). Cytogenetic location: 10q22.3.
Variant type: single nucleotide variant.
Coding change: c.1673A>G on transcript NM_020338.4 (MANE Select); coding-DNA position 1673, A replaced by G.
Protein change: p.His558Arg; replaces histidine 558 with arginine.
Molecular consequence: missense variant.
Genome position (GRCh38, 1-based): chr10:79,299,056, A>G. VCF-style: chr10-79299056-A-G. GRCh37 (hg19) VCF-style: chr10-81058813-A-G.
Other names: short protein forms H558R.
Identifiers: ClinVar variation 4747532 (VCV004747532.1).
Genomic context (GRCh38, chr10:79,299,056, plus strand): 5'-AGAACCCATGGCAGCTGAGGCTTGTGGCTCACCCACCTCCTCTCCTCGCCCCAGCCAACC[A>G]CAATGACGAGCTGCGGCTCACATTCCCTGTGCGGGATGGCGTGGTGCTGGAGCCCTTCCG-3'
Protein context (NP_065071.1, residues 548-568): MSALPPPPAN[His558Arg]NDELRLTFPV